The following is an entry in ClinVar:

NM_001854.4(COL11A1):c.3600+6A>T

Gene: COL11A1 (collagen type XI alpha 1 chain; minus strand). Cytogenetic location: 1p21.1.
Variant type: single nucleotide variant.
Coding change: c.3600+6A>T on transcript NM_001854.4 (MANE Select); 6 bases into the intron after coding-DNA position 3600, A replaced by T.
Molecular consequence: intron variant.
Genome position (GRCh38, 1-based): chr1:102,934,443, T>A on the plus strand (A>T on the coding strand, the complement: COL11A1 is on the minus strand). VCF-style: chr1-102934443-T-A. GRCh37 (hg19) VCF-style: chr1-103399999-T-A.
Other names: c.3483+6A>T (NM_001190709.2); c.3636+6A>T (NM_080629.3); c.3252+6A>T (NM_080630.4).
Identifiers: ClinVar variation 1908879 (VCV001908879.6), dbSNP rs772660632, ClinGen allele CA973957.

ClinVar aggregate classification (germline): Conflicting classifications of pathogenicity. Review status: criteria provided, conflicting classifications (1 of 4 stars). 2 submissions from 2 submitters: Uncertain significance (1); Likely benign (1). Last evaluated 2025-09-02.

Allele frequency attached by ClinVar (database versions not stated): ExAC 0.00001; gnomAD 0.00001; gnomAD exomes 0.00002.
gnomAD v4.1: 14 of 1,591,806 alleles (0.00088%); highest among the groups gnomAD compares: Non-Finnish European, 0.0012%; no homozygotes.

Submissions (2):

Labcorp Genetics (formerly Invitae), Labcorp
Classification: Uncertain significance. Last evaluated: 2025-09-02. Review status: criteria provided, single submitter. Criteria: Invitae Variant Classification Sherloc (09022015). Collection method: clinical testing. Allele origin: germline.
Comment: This sequence change falls in intron 46 of the COL11A1 gene. It does not directly change the encoded amino acid sequence of the COL11A1 protein. It affects a nucleotide within the consensus splice site. This variant is present in population databases (rs772660632, gnomAD 0.002%). This variant has not been reported in the literature in individuals affected with COL11A1-related conditions. ClinVar contains an entry for this variant (Variation ID: 1908879). Variants that disrupt the consensus splice site are a relatively common cause of aberrant splicing (PMID: 17576681, 9536098). Algorithms developed to predict the effect of sequence changes on RNA splicing suggest that this variant is not likely to affect RNA splicing. In summary, the available evidence is currently insufficient to determine the role of this variant in disease. Therefore, it has been classified as a Variant of Uncertain Significance.

Blueprint Genetics
Classification: Likely benign. Last evaluated: 2022-11-19. Review status: criteria provided, single submitter. Criteria: ACMG Guidelines, 2015. Collection method: clinical testing. Allele origin: germline.

Literature cited by the submitters: PubMed 17576681 (cited by Labcorp Genetics (formerly Invitae), Labcorp); PubMed 9536098 (cited by Labcorp Genetics (formerly Invitae), Labcorp).